The following is an entry in ClinVar:

NM_000743.5(CHRNA3):c.936G>A (p.Met312Ile)

Gene: CHRNA3 (cholinergic receptor nicotinic alpha 3 subunit; minus strand). Cytogenetic location: 15q25.1.
Variant type: single nucleotide variant.
Coding change: c.936G>A on transcript NM_000743.5 (MANE Select); coding-DNA position 936, G replaced by A.
Protein change: p.Met312Ile; replaces methionine 312 with isoleucine.
Molecular consequence: missense variant. On other transcripts: non-coding transcript variant (1).
Genome position (GRCh38, 1-based): chr15:78,601,706, C>T on the plus strand (G>A on the coding strand, the complement: CHRNA3 is on the minus strand). VCF-style: chr15-78601706-C-T. GRCh37 (hg19) VCF-style: chr15-78894048-C-T.
Other names: c.936G>A, p.Met312Ile (NM_001166694.2); short protein forms M312I.
Identifiers: ClinVar variation 2645612 (VCV002645612.24), dbSNP rs2542811841, ClinGen allele CA393584436.

ClinVar aggregate classification (germline): Uncertain significance (1 of 4 stars; one submission).

Submission:

CeGaT Center for Human Genetics Tuebingen
Classification: Uncertain significance. Last evaluated: 2023-09-01. Review status: criteria provided, single submitter. Criteria: CeGaT Center For Human Genetics Tuebingen Variant Classification Criteria Version 2. Collection method: clinical testing. Allele origin: germline. Affected: yes. Observed: 1 variant allele.
Comment: CHRNA3: PM2, PP3